The following is an entry in ClinVar:

ClinVar aggregate classification (germline): Uncertain significance. Review status: criteria provided, multiple submitters, no conflicts (2 of 4 stars). 2 submissions from 2 submitters: Uncertain significance (2). Last evaluated 2024-12-10.

Conditions:
Autosomal dominant Parkinson disease 8. Also called: Parkinson disease 8, susceptibility to; LRRK2-Related Parkinson Disease; Parkinson disease 8. Identifiers: Orphanet 411602, MedGen C1846862, MONDO:0011764, OMIM 607060.
Inborn genetic diseases. Identifiers: MedGen C0950123, MeSH D030342.

Submissions (2):

Labcorp Genetics (formerly Invitae), Labcorp
Classification: Uncertain significance for Autosomal dominant Parkinson disease 8. Last evaluated: 2024-12-10. Review status: criteria provided, single submitter. Criteria: Invitae Variant Classification Sherloc (09022015). Collection method: clinical testing. Allele origin: germline.
Comment: This sequence change replaces leucine, which is neutral and non-polar, with phenylalanine, which is neutral and non-polar, at codon 242 of the LRRK2 protein (p.Leu242Phe). The frequency data for this variant in the population databases is considered unreliable, as metrics indicate poor data quality at this position in the gnomAD database. This variant has not been reported in the literature in individuals affected with LRRK2-related conditions. ClinVar contains an entry for this variant (Variation ID: 2489685). Invitae Evidence Modeling of protein sequence and biophysical properties (such as structural, functional, and spatial information, amino acid conservation, physicochemical variation, residue mobility, and thermodynamic stability) has been performed for this missense variant. However, the output from this modeling did not meet the statistical confidence thresholds required to predict the impact of this variant on LRRK2 protein function. In summary, the available evidence is currently insufficient to determine the role of this variant in disease. Therefore, it has been classified as a Variant of Uncertain Significance.

Ambry Genetics
Classification: Uncertain significance for Inborn genetic diseases. Last evaluated: 2023-08-14. Review status: criteria provided, single submitter. Criteria: Ambry Variant Classification Scheme 2023. Collection method: clinical testing. Allele origin: germline.

NM_198578.4(LRRK2):c.724C>T (p.Leu242Phe)

Gene: LRRK2 (leucine rich repeat kinase 2; plus strand). Cytogenetic location: 12q12.
Variant type: single nucleotide variant.
Coding change: c.724C>T on transcript NM_198578.4 (MANE Select); coding-DNA position 724, C replaced by T.
Protein change: p.Leu242Phe; replaces leucine 242 with phenylalanine.
Molecular consequence: missense variant.
Genome position (GRCh38, 1-based): chr12:40,243,567, C>T. VCF-style: chr12-40243567-C-T. GRCh37 (hg19) VCF-style: chr12-40637369-C-T.
Other names: short protein forms L242F.
Identifiers: ClinVar variation 2489685 (VCV002489685.5), dbSNP rs933877702, ClinGen allele CA235354451.
Genomic context (GRCh38, chr12:40,243,567, plus strand): 5'-AACATGGTTACCTTATTGATAATTATGATCTCTTTAAATTCAGGCAATAATGTGGAAGTC[C>T]TCATGAGTGGCAATGTCAGGTGTTATAATATTGTGGTGGAAGCTATGAAAGCATTCCCTA-3'
Protein context (NP_940980.4, residues 232-252): LAIPCNNVEV[Leu242Phe]MSGNVRCYNI